The following is an entry in ClinVar:

ClinVar aggregate classification (germline): Likely benign. Review status: criteria provided, multiple submitters, no conflicts (2 of 4 stars). 2 submissions from 2 submitters: Likely benign (2). Last evaluated 2026-07-21.

Conditions:
SCYL1-related disorder. Also called: SCYL1-related condition.

gnomAD v4.1: 52 of 1,614,014 alleles (0.0032%); highest among the groups gnomAD compares: Non-Finnish European, 0.0038%; no homozygotes.

Submissions (2):

PreventionGenetics, part of Exact Sciences
Classification: Likely benign for SCYL1-related condition. Last evaluated: 2026-07-21. Review status: criteria provided, single submitter. Criteria: ACMG Guidelines, 2015. Collection method: clinical testing. Allele origin: germline.
Comment: This variant is classified as likely benign based on ACMG/AMP sequence variant interpretation guidelines (Richards et al. 2015 PMID: 25741868, with internal and published modifications).

Labcorp Genetics (formerly Invitae), Labcorp
Classification: Likely benign. Last evaluated: 2024-04-16. Review status: criteria provided, single submitter. Criteria: Invitae Variant Classification Sherloc (09022015). Collection method: clinical testing. Allele origin: germline.

NM_020680.4(SCYL1):c.1062G>A (p.Val354=)

Gene: SCYL1 (SCY1 like pseudokinase 1; plus strand). Cytogenetic location: 11q13.1.
Variant type: single nucleotide variant.
Coding change: c.1062G>A on transcript NM_020680.4 (MANE Select); coding-DNA position 1062, G replaced by A.
Protein change: p.Val354=; no amino-acid change (valine 354 retained).
Molecular consequence: synonymous variant.
Genome position (GRCh38, 1-based): chr11:65,531,629, G>A. VCF-style: chr11-65531629-G-A. GRCh37 (hg19) VCF-style: chr11-65299100-G-A.
Other names: c.633G>A, p.Val211= (NM_001425205.1, NM_001425206.1, NM_001425207.1 and 2 more transcripts); c.450G>A, p.Val150= (NM_001425208.1, NM_001425209.1, NM_001425210.1 and 1 more transcripts); c.807G>A, p.Val269= (NM_001425199.1); c.798G>A, p.Val266= (NM_001425200.1); c.1062G>A, p.Val354= (NM_001425201.1, NM_001425202.1, NM_001048218.2 and 18 more transcripts); c.1059G>A, p.Val353= (NM_001425180.1, NM_001425183.1); c.978G>A, p.Val326= (NM_001425189.1); c.1062G>A (NM_020680.3).
Identifiers: ClinVar variation 3609564 (VCV003609564.3).